The following is an entry in ClinVar:

ClinVar aggregate classification (germline): Pathogenic (1 of 4 stars; one submission).

Conditions:
Primary ciliary dyskinesia. Also called: Ciliary dyskinesia. Identifiers: Orphanet 244, MedGen C0008780, MONDO:0016575, HP:0012265.

Submission:

Labcorp Genetics (formerly Invitae), Labcorp
Classification: Pathogenic for Primary ciliary dyskinesia. Last evaluated: 2022-08-31. Review status: criteria provided, single submitter. Criteria: Invitae Variant Classification Sherloc (09022015). Collection method: clinical testing. Allele origin: germline.
Comment: This sequence change creates a premature translational stop signal (p.Gly824Glufs*265) in the RPGR (ORF15) gene. While this is not anticipated to result in nonsense mediated decay, it is expected to disrupt the last 329 amino acid(s) of the RPGR (ORF15) protein. This variant is not present in population databases (gnomAD no frequency). For these reasons, this variant has been classified as Pathogenic. This variant disrupts a region of the RPGR (ORF15) protein in which other variant(s) (p.Leu1130Lysfs*13) have been determined to be pathogenic (PMID: 22264887). This suggests that this is a clinically significant region of the protein, and that variants that disrupt it are likely to be disease-causing. This variant has not been reported in the literature in individuals affected with RPGR (ORF15)-related conditions.

Literature cited by the submitters: PubMed 22264887.

NM_001034853.2(RPGR):c.2471del (p.Gly824fs)

Gene: RPGR (retinitis pigmentosa GTPase regulator; minus strand). Cytogenetic location: Xp11.4.
Variant type: Deletion.
Coding change: c.2471del on transcript NM_001034853.2 (MANE Select); coding-DNA position 2471, one base deleted (G; older notation c.2471delG).
Protein change: p.Gly824fs; shifts the reading frame from glycine 824.
Molecular consequence: frameshift variant. On other transcripts: intron variant (8).
Genome position (GRCh38, 1-based): chrX:38,286,528, C deleted on the plus strand (G on the coding strand, the reverse complement: RPGR is on the minus strand); the first of 2 consecutive C bases (chrX:38,286,528-38,286,529); deleting either gives the same sequence. VCF-style (leftmost placement, unchanged base first): chrX-38286527-TC-T. GRCh37 (hg19) VCF-style: chrX-38145780-TC-T.
Other names: c.1569+4431del (NM_001367249.1, NM_001367250.1); c.1902+566del (NM_001367245.1); c.1386+4431del (NM_001367251.1); c.1719+566del (NM_001367246.1); c.1572+4431del (NM_001367247.1); c.1905+566del (NM_000328.3); c.1602+4431del (NM_001367248.1); short protein forms G824fs.
Identifiers: ClinVar variation 2028155 (VCV002028155.4), dbSNP rs2519790630, ClinGen allele CA2580100915.